The following is an entry in ClinVar:

ClinVar aggregate classification (germline): Uncertain significance (1 of 4 stars; one submission).

Conditions:
Fanconi anemia (FA). Also called: Fanconi's anemia. Identifiers: Orphanet 84, MedGen C0015625, MeSH D005199, MONDO:0019391.

Submission:

Labcorp Genetics (formerly Invitae), Labcorp
Classification: Uncertain significance for Fanconi anemia. Last evaluated: 2023-07-14. Review status: criteria provided, single submitter. Criteria: Invitae Variant Classification Sherloc (09022015). Collection method: clinical testing. Allele origin: germline.
Comment: This sequence change replaces leucine, which is neutral and non-polar, with phenylalanine, which is neutral and non-polar, at codon 503 of the SLX4 protein (p.Leu503Phe). This variant is not present in population databases (gnomAD no frequency). In summary, the available evidence is currently insufficient to determine the role of this variant in disease. Therefore, it has been classified as a Variant of Uncertain Significance. An algorithm developed to predict the effect of missense changes on protein structure and function (PolyPhen-2) suggests that this variant is likely to be disruptive. This variant has not been reported in the literature in individuals affected with SLX4-related conditions.

NM_032444.4(SLX4):c.1507C>T (p.Leu503Phe)

Gene: SLX4 (SLX4 structure-specific endonuclease subunit; minus strand). Cytogenetic location: 16p13.3.
Variant type: single nucleotide variant.
Coding change: c.1507C>T on transcript NM_032444.4 (MANE Select); coding-DNA position 1507, C replaced by T.
Protein change: p.Leu503Phe; replaces leucine 503 with phenylalanine.
Molecular consequence: missense variant.
Genome position (GRCh38, 1-based): chr16:3,597,555, G>A on the plus strand (C>T on the coding strand, the complement: SLX4 is on the minus strand). VCF-style: chr16-3597555-G-A. GRCh37 (hg19) VCF-style: chr16-3647556-G-A.
Other names: short protein forms L503F.
Identifiers: ClinVar variation 3020362 (VCV003020362.3), dbSNP rs2548218993, ClinGen allele CA394528927.